The following is an entry in ClinVar:

ClinVar aggregate classification (germline): Uncertain significance (1 of 4 stars; one submission).

Conditions:
Hereditary nonpolyposis colorectal neoplasms. Identifiers: MedGen C0009405, MeSH D003123.

Submission:

Labcorp Genetics (formerly Invitae), Labcorp
Classification: Uncertain significance for Hereditary nonpolyposis colorectal neoplasms. Last evaluated: 2021-11-04. Review status: criteria provided, single submitter. Criteria: Invitae Variant Classification Sherloc (09022015). Collection method: clinical testing. Allele origin: germline.
Comment: In summary, the available evidence is currently insufficient to determine the role of this variant in disease. Therefore, it has been classified as a Variant of Uncertain Significance. Advanced modeling of protein sequence and biophysical properties (such as structural, functional, and spatial information, amino acid conservation, physicochemical variation, residue mobility, and thermodynamic stability) performed at Invitae indicates that this missense variant is not expected to disrupt MSH6 protein function. This variant has not been reported in the literature in individuals affected with MSH6-related conditions. This variant is not present in population databases (gnomAD no frequency). This sequence change replaces methionine, which is neutral and non-polar, with leucine, which is neutral and non-polar, at codon 1270 of the MSH6 protein (p.Met1270Leu).

NM_000179.3(MSH6):c.3808A>C (p.Met1270Leu)

Gene: MSH6 (mutS homolog 6; plus strand). Cytogenetic location: 2p16.3.
Variant type: single nucleotide variant.
Coding change: c.3808A>C on transcript NM_000179.3 (MANE Select); coding-DNA position 3808, A replaced by C.
Protein change: p.Met1270Leu; replaces methionine 1270 with leucine.
Molecular consequence: missense variant.
Genome position (GRCh38, 1-based): chr2:47,806,458, A>C. VCF-style: chr2-47806458-A-C. GRCh37 (hg19) VCF-style: chr2-48033597-A-C.
Other names: c.3418A>C, p.Met1140Leu (NM_001281492.2); c.2902A>C, p.Met968Leu (NM_001281493.2, NM_001281494.2); short protein forms M1140L, M1270L, M968L.
Identifiers: ClinVar variation 1349278 (VCV001349278.6), dbSNP rs757963162, ClinGen allele CA346761223.